The following is an entry in ClinVar:

NM_001040436.3(YARS2):c.547G>A (p.Val183Met)

Gene: YARS2 (tyrosyl-tRNA synthetase 2; minus strand). Cytogenetic location: 12p11.21.
Variant type: single nucleotide variant.
Coding change: c.547G>A on transcript NM_001040436.3 (MANE Select); coding-DNA position 547, G replaced by A.
Protein change: p.Val183Met; replaces valine 183 with methionine.
Molecular consequence: missense variant.
Genome position (GRCh38, 1-based): chr12:32,755,328, C>T on the plus strand (G>A on the coding strand, the complement: YARS2 is on the minus strand). VCF-style: chr12-32755328-C-T. GRCh37 (hg19) VCF-style: chr12-32908262-C-T.
Other names: short protein forms V183M.
Identifiers: ClinVar variation 3616683 (VCV003616683.2).

ClinVar aggregate classification (germline): Uncertain significance (1 of 4 stars; one submission).

gnomAD v4.1: 7 of 1,614,118 alleles (0.00043%); highest among the groups gnomAD compares: Admixed American, 0.005%; no homozygotes.

Submission:

Labcorp Genetics (formerly Invitae), Labcorp
Classification: Uncertain significance. Last evaluated: 2024-02-28. Review status: criteria provided, single submitter. Criteria: Invitae Variant Classification Sherloc (09022015). Collection method: clinical testing. Allele origin: germline.
Comment: This sequence change replaces valine, which is neutral and non-polar, with methionine, which is neutral and non-polar, at codon 183 of the YARS2 protein (p.Val183Met). This variant is present in population databases (rs748214108, gnomAD 0.003%). This variant has not been reported in the literature in individuals affected with YARS2-related conditions. Advanced modeling of protein sequence and biophysical properties (such as structural, functional, and spatial information, amino acid conservation, physicochemical variation, residue mobility, and thermodynamic stability) performed at Invitae indicates that this missense variant is not expected to disrupt YARS2 protein function with a negative predictive value of 80%. In summary, the available evidence is currently insufficient to determine the role of this variant in disease. Therefore, it has been classified as a Variant of Uncertain Significance.